The following is an entry in ClinVar:

NM_000400.4(ERCC2):c.1750T>C (p.Tyr584His)

Gene: ERCC2 (ERCC excision repair 2, TFIIH core complex helicase subunit; minus strand). Cytogenetic location: 19q13.32.
Variant type: single nucleotide variant.
Coding change: c.1750T>C on transcript NM_000400.4 (MANE Select); coding-DNA position 1750, T replaced by C.
Protein change: p.Tyr584His; replaces tyrosine 584 with histidine.
Molecular consequence: missense variant.
Genome position (GRCh38, 1-based): chr19:45,353,250, A>G on the plus strand (T>C on the coding strand, the complement: ERCC2 is on the minus strand). VCF-style: chr19-45353250-A-G. GRCh37 (hg19) VCF-style: chr19-45856508-A-G.
Other names: short protein forms Y584H.
Identifiers: ClinVar variation 3231656 (VCV003231656.1), dbSNP rs1219803956, ClinGen allele CA406364316.

ClinVar aggregate classification (germline): Uncertain significance (1 of 4 stars; one submission).

Conditions:
Inborn genetic diseases. Identifiers: MedGen C0950123, MeSH D030342.

Allele frequency attached by ClinVar (database versions not stated): gnomAD exomes below 0.00001.
gnomAD v4.1: 1 of 1,613,508 alleles (0.000062%); highest among the groups gnomAD compares: South Asian, 0.0011%; no homozygotes.

Submission:

Ambry Genetics
Classification: Uncertain significance for Inborn genetic diseases. Last evaluated: 2023-12-05. Review status: criteria provided, single submitter. Criteria: Ambry Variant Classification Scheme 2023. Collection method: clinical testing. Allele origin: germline.
Comment: The p.Y584H variant (also known as c.1750T>C), located in coding exon 18 of the ERCC2 gene, results from a T to C substitution at nucleotide position 1750. The tyrosine at codon 584 is replaced by histidine, an amino acid with similar properties. This amino acid position is conserved. In addition, this alteration is predicted to be deleterious by in silico analysis. Since supporting evidence is limited at this time, the clinical significance of this alteration remains unclear.